The following is an entry in ClinVar:

ClinVar aggregate classification (germline): Benign. Review status: criteria provided, multiple submitters, no conflicts (2 of 4 stars). 3 submissions from 3 submitters: Benign (2). 1 of the submissions does not count toward it. Last evaluated 2026-02-01.

Conditions:
ADGRE2-related disorder. Also called: ADGRE2-related condition.

Allele frequency attached by ClinVar (database versions not stated): gnomAD exomes 0.00151 and 0.00432; ExAC 0.00495; gnomAD 0.01460 and 0.01554; TOPMed 0.01608; 1000 Genomes Project 30x 0.01921; 1000 Genomes Project 0.02935.
gnomAD v4.1: 4,576 of 1,604,270 alleles (0.29%); highest among the groups gnomAD compares: African/African-American, 4.8%; 92 homozygotes.

Submissions (3):

Labcorp Genetics (formerly Invitae), Labcorp
Classification: Benign. Last evaluated: 2026-02-01. Review status: criteria provided, single submitter. Criteria: Invitae Variant Classification Sherloc (09022015). Collection method: clinical testing. Allele origin: germline.

Breakthrough Genomics
Classification: Benign. Review status: criteria provided, single submitter. Criteria: ACMG Guidelines, 2015. Collection method: not provided. Allele origin: germline. Inheritance: Autosomal dominant inheritance. Affected: yes.

PreventionGenetics, part of Exact Sciences
Classification: Benign for ADGRE2-related condition. Last evaluated: 2019-11-25. Review status: no assertion criteria provided. Collection method: clinical testing. Allele origin: germline. Not counted in ClinVar's aggregate classification.
Comment: This variant is classified as benign based on ACMG/AMP sequence variant interpretation guidelines (Richards et al. 2015 PMID: 25741868, with internal and published modifications).

NM_013447.4(ADGRE2):c.1624A>G (p.Met542Val)

Gene: ADGRE2 (adhesion G protein-coupled receptor E2; minus strand). Cytogenetic location: 19p13.12.
Variant type: single nucleotide variant.
Coding change: c.1624A>G on transcript NM_013447.4 (MANE Select); coding-DNA position 1624, A replaced by G.
Protein change: p.Met542Val; replaces methionine 542 with valine.
Molecular consequence: missense variant.
Genome position (GRCh38, 1-based): chr19:14,752,493, T>C on the plus strand (A>G on the coding strand, the complement: ADGRE2 is on the minus strand). VCF-style: chr19-14752493-T-C. GRCh37 (hg19) VCF-style: chr19-14863305-T-C.
Other names: c.1450A>G, p.Met484Val (NM_001271052.1); short protein forms M484V, M542V.
Identifiers: ClinVar variation 714763 (VCV000714763.12), dbSNP rs61731999, ClinGen allele CA9257651.
Genomic context (GRCh38, chr19:14,752,493, plus strand): 5'-TACACAGGAGAAAAGTGAGGGCCGCCAGGAGGAGGCACAGCAGAGAGACGCTCAGCCCCA[T>C]GTAGGTGATGACAGTCAGCACGGGATCCTCCTCCTGGGACCCGGAAAAGAAGAGTTCACA-3'
Protein context (NP_038475.2, residues 532-552): EDPVLTVITY[Met542Val]GLSVSLLCLL